The following is an entry in ClinVar:

NM_000466.3(PEX1):c.1875G>C (p.Glu625Asp)

Gene: PEX1 (peroxisomal biogenesis factor 1; minus strand). Cytogenetic location: 7q21.2.
Variant type: single nucleotide variant.
Coding change: c.1875G>C on transcript NM_000466.3 (MANE Select); coding-DNA position 1875, G replaced by C.
Protein change: p.Glu625Asp; replaces glutamic acid 625 with aspartic acid.
Molecular consequence: missense variant.
Genome position (GRCh38, 1-based): chr7:92,506,273, C>G on the plus strand (G>C on the coding strand, the complement: PEX1 is on the minus strand). VCF-style: chr7-92506273-C-G. GRCh37 (hg19) VCF-style: chr7-92135587-C-G.
Other names: c.1875G>C, p.Glu625Asp (NM_001282677.2); c.1251G>C, p.Glu417Asp (NM_001282678.2); short protein forms E625D, E417D.
Identifiers: ClinVar variation 1359592 (VCV001359592.3), dbSNP rs775491706, ClinGen allele CA368184751.

ClinVar aggregate classification (germline): Uncertain significance (1 of 4 stars; one submission).

Conditions:
Zellweger spectrum disorders (ZS). Also called: Zellweger syndrome; Zellweger Spectrum Disorder (ZSD); Zellweger Spectrum Disorder; Zellweger Spectrum. Identifiers: Orphanet 912, MedGen C0043459, MONDO:0019609.

gnomAD v4.1: 1 of 1,607,078 alleles (0.000062%); highest among the groups gnomAD compares: Admixed American, 0.0017%; no homozygotes.

Submission:

Labcorp Genetics (formerly Invitae), Labcorp
Classification: Uncertain significance for Zellweger spectrum disorders. Last evaluated: 2022-03-19. Review status: criteria provided, single submitter. Criteria: Invitae Variant Classification Sherloc (09022015). Collection method: clinical testing. Allele origin: germline.
Comment: This sequence change replaces glutamic acid, which is acidic and polar, with aspartic acid, which is acidic and polar, at codon 625 of the PEX1 protein (p.Glu625Asp). This variant is present in population databases (no rsID available, gnomAD 0.003%). This variant has not been reported in the literature in individuals affected with PEX1-related conditions. Advanced modeling of protein sequence and biophysical properties (such as structural, functional, and spatial information, amino acid conservation, physicochemical variation, residue mobility, and thermodynamic stability) performed at Invitae indicates that this missense variant is not expected to disrupt PEX1 protein function. In summary, the available evidence is currently insufficient to determine the role of this variant in disease. Therefore, it has been classified as a Variant of Uncertain Significance.